The following is an entry in ClinVar:

ClinVar aggregate classification (germline): Likely pathogenic. Review status: criteria provided, single submitter (1 of 4 stars). 2 submissions from 2 submitters: Likely pathogenic (1). 1 of the submissions does not count toward it. Last evaluated 2019-05-24.

Conditions:
Zellweger spectrum disorders (ZS). Also called: Zellweger Spectrum Disorder; Zellweger Spectrum; Zellweger Spectrum Disorder (ZSD); Zellweger syndrome. Identifiers: Orphanet 912, MedGen C0043459, MONDO:0019609.
Peroxisome biogenesis disorder. Identifiers: Orphanet 79189, MedGen C1832200, MONDO:0019234. Disease mechanism: loss of function.

Submissions (2):

Women's Health and Genetics/Laboratory Corporation of America, LabCorp
Classification: Likely pathogenic for Peroxisome biogenesis disorders, Zellweger syndrome spectrum. Last evaluated: 2019-05-24. Review status: criteria provided, single submitter. Criteria: LabCorp Variant Classification Summary - May 2015. Collection method: clinical testing. Allele origin: germline.
Comment: Variant summary: PEX1 c.1351_1354dupGAGA (p.Asn452ArgfsX5) results in a premature termination codon, predicted to cause a truncation of the encoded protein or absence of the protein due to nonsense mediated decay, which are commonly known mechanisms for disease. Truncations downstream of this position have been classified as pathogenic by our laboratory (c.2097dupT (p.Ile700fsX42), c.2916delA (p.Gly973fsX16)). The variant was absent in 250186 control chromosomes (gnomAD). To our knowledge, no occurrence of c.1351_1354dupGAGA in individuals affected with Zellweger Syndrome and no experimental evidence demonstrating its impact on protein function have been reported. No clinical diagnostic laboratories have submitted clinical-significance assessments for this variant to ClinVar after 2014. Based on the evidence outlined above, the variant was classified as likely pathogenic.

Natera, Inc.
Classification: Likely pathogenic for Zellweger syndrome. Last evaluated: 2021-05-20. Review status: no assertion criteria provided. Collection method: clinical testing. Allele origin: germline. Not counted in ClinVar's aggregate classification.

NM_000466.3(PEX1):c.1351_1354dup (p.Asn452fs)

Gene: PEX1 (peroxisomal biogenesis factor 1; minus strand). Cytogenetic location: 7q21.2.
Variant type: Microsatellite.
Coding change: c.1351_1354dup on transcript NM_000466.3 (MANE Select); coding-DNA positions 1351 to 1354, 4 bases duplicated (GAGA; older notation c.1351_1354dupGAGA).
Protein change: p.Asn452fs; shifts the reading frame from asparagine 452.
Molecular consequence: frameshift variant.
Genome position (GRCh38, 1-based): chr7:92,513,853-92,513,856, TCTC duplicated on the plus strand (GAGA on the coding strand, the reverse complement: PEX1 is on the minus strand); duplicating any 4 consecutive bases within chr7:92,513,853-92,513,859 gives the same sequence; the c. name uses the placement nearest the transcript's 3' end. VCF-style (leftmost placement, unchanged base first): chr7-92513852-T-TTCTC. GRCh37 (hg19) VCF-style: chr7-92143166-T-TTCTC.
Other names: c.1351_1354dup, p.Asn452fs (NM_001282677.2); c.727_730dup, p.Asn244fs (NM_001282678.2); short protein forms N452fs, N244fs.
Identifiers: ClinVar variation 929187 (VCV000929187.2), dbSNP rs1792596054, ClinGen allele CA1725941584.